The following is an entry in ClinVar:

NM_000218.3(KCNQ1):c.133C>T (p.Pro45Ser)

Gene: KCNQ1 (potassium voltage-gated channel subfamily Q member 1; plus strand). Cytogenetic location: 11p15.5.
Variant type: single nucleotide variant.
Coding change: c.133C>T on transcript NM_000218.3 (MANE Select); coding-DNA position 133, C replaced by T.
Protein change: p.Pro45Ser; replaces proline 45 with serine.
Molecular consequence: missense variant. On other transcripts: 5 prime UTR variant (1).
Genome position (GRCh38, 1-based): chr11:2,445,231, C>T. VCF-style: chr11-2445231-C-T. GRCh37 (hg19) VCF-style: chr11-2466461-C-T.
Other names: c.133C>T, p.Pro45Ser (NM_001406836.1, NM_001406838.1); c.-230C>T (NM_001406837.1); short protein forms P45S.
Identifiers: ClinVar variation 4749309 (VCV004749309.1).
Genomic context (GRCh38, chr11:2,445,231, plus strand): 5'-CGGGGCAGCGCGGGCCTGGCCAAGAAGTGCCCCTTCTCGCTGGAGCTGGCGGAGGGCGGC[C>T]CGGCGGGCGGCGCGCTCTACGCGCCCATCGCGCCCGGCGCCCCAGGTCCCGCGCCCCCTG-3'
Protein context (NP_000209.2, residues 35-55): PFSLELAEGG[Pro45Ser]AGGALYAPIA

ClinVar aggregate classification (germline): Uncertain significance (1 of 4 stars; one submission).

Conditions:
Long QT syndrome (LQTS). Identifiers: MedGen C0023976, MeSH D008133, MONDO:0002442. Disease mechanism: loss of function. Inheritance: Various modes of inheritance.

Submission:

Labcorp Genetics (formerly Invitae), Labcorp
Classification: Uncertain significance for Long QT syndrome. Last evaluated: 2025-04-09. Review status: criteria provided, single submitter. Criteria: Invitae Variant Classification Sherloc (09022015). Collection method: clinical testing. Allele origin: germline.
Comment: This sequence change replaces proline, which is neutral and non-polar, with serine, which is neutral and polar, at codon 45 of the KCNQ1 protein (p.Pro45Ser). This variant is not present in population databases (gnomAD no frequency). This variant has not been reported in the literature in individuals affected with KCNQ1-related conditions. Invitae Evidence Modeling of protein sequence and biophysical properties (such as structural, functional, and spatial information, amino acid conservation, physicochemical variation, residue mobility, and thermodynamic stability) indicates that this missense variant is not expected to disrupt KCNQ1 protein function with a negative predictive value of 95%. In summary, the available evidence is currently insufficient to determine the role of this variant in disease. Therefore, it has been classified as a Variant of Uncertain Significance.